The following is an entry in ClinVar:

ClinVar aggregate classification (germline): Uncertain significance (1 of 4 stars; one submission).

Submission:

Labcorp Genetics (formerly Invitae), Labcorp
Classification: Uncertain significance. Last evaluated: 2022-08-16. Review status: criteria provided, single submitter. Criteria: Invitae Variant Classification Sherloc (09022015). Collection method: clinical testing. Allele origin: germline.
Comment: This sequence change replaces alanine, which is neutral and non-polar, with threonine, which is neutral and polar, at codon 897 of the KCNH1 protein (p.Ala897Thr). This variant is not present in population databases (gnomAD no frequency). This variant has not been reported in the literature in individuals affected with KCNH1-related conditions. Advanced modeling of protein sequence and biophysical properties (such as structural, functional, and spatial information, amino acid conservation, physicochemical variation, residue mobility, and thermodynamic stability) performed at Invitae indicates that this missense variant is not expected to disrupt KCNH1 protein function. In summary, the available evidence is currently insufficient to determine the role of this variant in disease. Therefore, it has been classified as a Variant of Uncertain Significance.

NM_172362.3(KCNH1):c.2689G>A (p.Ala897Thr)

Gene: KCNH1 (potassium voltage-gated channel subfamily H member 1; minus strand). Cytogenetic location: 1q32.2.
Variant type: single nucleotide variant.
Coding change: c.2689G>A on transcript NM_172362.3 (MANE Select); coding-DNA position 2689, G replaced by A.
Protein change: p.Ala897Thr; replaces alanine 897 with threonine.
Molecular consequence: missense variant.
Genome position (GRCh38, 1-based): chr1:210,683,562, C>T on the plus strand (G>A on the coding strand, the complement: KCNH1 is on the minus strand). VCF-style: chr1-210683562-C-T. GRCh37 (hg19) VCF-style: chr1-210856904-C-T.
Other names: c.2608G>A, p.Ala870Thr (NM_002238.4); short protein forms A870T, A897T.
Identifiers: ClinVar variation 2124721 (VCV002124721.4), dbSNP rs2546369282, ClinGen allele CA344870641.